The following is an entry in ClinVar:

ClinVar aggregate classification (germline): Uncertain significance (1 of 4 stars; one submission).

Conditions:
Usher syndrome type 3B. Also called: USHER SYNDROME, TYPE IIIB. Identifiers: MedGen C3281066, MONDO:0013788, OMIM 614504.

Submission:

Labcorp Genetics (formerly Invitae), Labcorp
Classification: Uncertain significance for Usher syndrome type 3B. Last evaluated: 2024-06-04. Review status: criteria provided, single submitter. Criteria: Invitae Variant Classification Sherloc (09022015). Collection method: clinical testing. Allele origin: germline.
Comment: This sequence change replaces isoleucine, which is neutral and non-polar, with valine, which is neutral and non-polar, at codon 466 of the HARS protein (p.Ile466Val). This variant is not present in population databases (gnomAD no frequency). This variant has not been reported in the literature in individuals affected with HARS-related conditions. Advanced modeling of protein sequence and biophysical properties (such as structural, functional, and spatial information, amino acid conservation, physicochemical variation, residue mobility, and thermodynamic stability) performed at Invitae indicates that this missense variant is not expected to disrupt HARS protein function with a negative predictive value of 80%. In summary, the available evidence is currently insufficient to determine the role of this variant in disease. Therefore, it has been classified as a Variant of Uncertain Significance.

NM_002109.6(HARS1):c.1396A>G (p.Ile466Val)

Gene: HARS1 (histidyl-tRNA synthetase 1; minus strand). Cytogenetic location: 5q31.3.
Variant type: single nucleotide variant.
Coding change: c.1396A>G on transcript NM_002109.6 (MANE Select); coding-DNA position 1396, A replaced by G.
Protein change: p.Ile466Val; replaces isoleucine 466 with valine.
Molecular consequence: missense variant.
Genome position (GRCh38, 1-based): chr5:140,674,741, T>C on the plus strand (A>G on the coding strand, the complement: HARS1 is on the minus strand). VCF-style: chr5-140674741-T-C. GRCh37 (hg19) VCF-style: chr5-140054326-T-C.
Other names: c.1276A>G, p.Ile426Val (NM_001258040.3); c.1336A>G, p.Ile446Val (NM_001258041.3); c.1216A>G, p.Ile406Val (NM_001258042.3); c.1174A>G, p.Ile392Val (NM_001289092.2); c.1054A>G, p.Ile352Val (NM_001289093.2); c.1309A>G, p.Ile437Val (NM_001289094.2); short protein forms I406V, I446V, I352V, I392V, I437V, I426V, I466V.
Identifiers: ClinVar variation 3655439 (VCV003655439.2).